The following is an entry in ClinVar:

ClinVar aggregate classification (germline): Benign/Likely benign. Review status: criteria provided, multiple submitters, no conflicts (2 of 4 stars). 3 submissions from 3 submitters: Benign (2); Likely benign (1). Last evaluated 2026-02-01.

Submissions (3):

Labcorp Genetics (formerly Invitae), Labcorp
Classification: Benign. Last evaluated: 2026-02-01. Review status: criteria provided, single submitter. Criteria: Invitae Variant Classification Sherloc (09022015). Collection method: clinical testing. Allele origin: germline.

Blueprint Genetics
Classification: Likely benign. Last evaluated: 2024-11-28. Review status: criteria provided, single submitter. Criteria: ACMG Guidelines, 2015. Collection method: clinical testing. Allele origin: germline.

Laboratory for Molecular Medicine, Mass General Brigham Personalized Medicine
Classification: Benign. Last evaluated: 2016-03-29. Review status: criteria provided, single submitter. Criteria: LMM Criteria. Collection method: clinical testing. Allele origin: germline.
Comment: Variant identified in a genome or exome case(s) and assessed due to predicted null impact of the variant or pathogenic assertions in the literature or databases. Disclaimer: This variant has not undergone full assessment. The following are preliminary notes: Frequency

NM_016004.5(IFT52):c.1120+26del

Gene: IFT52 (intraflagellar transport 52; plus strand). Cytogenetic location: 20q13.12.
Variant type: Deletion.
Coding change: c.1120+26del on transcript NM_016004.5 (MANE Select); 26 bases into the intron after coding-DNA position 1120, one base deleted (T; older notation c.1120+26delT).
Molecular consequence: intron variant.
Genome position (GRCh38, 1-based): chr20:43,637,279, T deleted; the last of 11 consecutive T bases (chr20:43,637,269-43,637,279); deleting any one gives the same sequence. VCF-style (leftmost placement, unchanged base first): chr20-43637268-CT-C. GRCh37 (hg19) VCF-style: chr20-42265908-CT-C.
Other names: c.592+26del (NM_001323578.2, NM_001323580.2); c.469+26del (NM_001323579.2, NM_001323581.2); c.1120+26del (NM_001303458.3, NM_001303459.3).
Identifiers: ClinVar variation 402964 (VCV000402964.12), dbSNP rs754046046, ClinGen allele CA9867102.